The following is an entry in ClinVar:

NM_022436.3(ABCG5):c.632C>G (p.Pro211Arg)

Genes: ABCG5 (ATP binding cassette subfamily G member 5; minus strand), DYNC2LI1 (dynein cytoplasmic 2 light intermediate chain 1; plus strand). Cytogenetic location: 2p21.
Variant type: single nucleotide variant.
Coding change: c.632C>G on transcript NM_022436.3 (MANE Select); coding-DNA position 632, C replaced by G.
Protein change: p.Pro211Arg; replaces proline 211 with arginine.
Molecular consequence: missense variant. On other transcripts: 3 prime UTR variant (2).
Genome position (GRCh38, 1-based): chr2:43,827,985, G>C on the plus strand (C>G on the coding strand, the complement: ABCG5 is on the minus strand). VCF-style: chr2-43827985-G-C. GRCh37 (hg19) VCF-style: chr2-44055124-G-C.
Other names: c.*615G>C (NM_001348912.2, NM_001348913.2); short protein forms P211R.
Identifiers: ClinVar variation 3416632 (VCV003416632.1).

ClinVar aggregate classification (germline): Uncertain significance (1 of 4 stars; one submission).

Conditions:
Cardiovascular phenotype. Identifiers: MedGen CN230736.

gnomAD v4.1: 1 of 1,613,994 alleles (0.000062%); highest among the groups gnomAD compares: Non-Finnish European, 0.000085%; no homozygotes.

Submission:

Ambry Genetics
Classification: Uncertain significance for Cardiovascular phenotype. Last evaluated: 2024-11-10. Review status: criteria provided, single submitter. Criteria: Ambry Variant Classification Scheme 2023. Collection method: clinical testing. Allele origin: germline.
Comment: The p.P211R variant (also known as c.632C>G), located in coding exon 5 of the ABCG5 gene, results from a C to G substitution at nucleotide position 632. The proline at codon 211 is replaced by arginine, an amino acid with dissimilar properties. This amino acid position is conserved. In addition, this alteration is predicted to be deleterious by in silico analysis. Based on the available evidence, the clinical significance of this variant remains unclear.